The following is an entry in ClinVar:

ClinVar aggregate classification (germline): Likely pathogenic (1 of 4 stars; one submission).

Conditions:
Cardiovascular phenotype. Identifiers: MedGen CN230736.

gnomAD v4.1: 1 of 1,613,918 alleles (0.000062%); highest among the groups gnomAD compares: Non-Finnish European, 0.000085%; no homozygotes.

Submission:

Ambry Genetics
Classification: Likely pathogenic for Cardiovascular phenotype. Last evaluated: 2025-08-21. Review status: criteria provided, single submitter. Criteria: Ambry Variant Classification Scheme 2023. Collection method: clinical testing. Allele origin: germline.
Comment: The p.E4143* variant (also known as c.12427G>T), located in coding exon 44 of the TTN gene, results from a G to T substitution at nucleotide position 12427. This changes the amino acid from a glutamic acid to a stop codon within coding exon 44. This exon is located in the I-band region of the N2-B isoform of the titin protein and is constitutively expressed in TTN transcripts (percent spliced in or PSI 100%). This variant is expected to result in loss of function by premature protein truncation or nonsense-mediated mRNA decay. While truncating variants in TTN are present in 1-3% of the general population, truncating variants in the A-band are the most common cause of dilated cardiomyopathy (Herman DS et al. N. Engl. J. Med., 2012 Feb;366:619-28; Roberts AM et al. Sci Transl Med, 2015 Jan;7:270ra6). TTN truncating variants encoded in constitutive exons (PSI >90%) have been found to be significantly associated with DCM regardless of their position in titin (Schafer S et al. Nat. Genet., 2017 01;49:46-53; Akhtar MM et al. Circ Heart Fail, 2020 Oct;13:e006832; Massier M et al. Clin Genet, 2025 Jan). This variant is considered to be rare based on population cohorts in the Genome Aggregation Database (gnomAD). Based on the majority of available evidence to date, this variant is likely to be pathogenic.

NM_001267550.2(TTN):c.13516G>T (p.Glu4506Ter)

Gene: TTN (titin; minus strand). Cytogenetic location: 2q31.2.
Variant type: single nucleotide variant.
Coding change: c.13516G>T on transcript NM_001267550.2 (MANE Select); coding-DNA position 13516, G replaced by T.
Protein change: p.Glu4506Ter; replaces glutamic acid 4506 with a stop codon.
Molecular consequence: nonsense. On other transcripts: intron variant (1).
Genome position (GRCh38, 1-based): chr2:178,739,717, C>A on the plus strand (G>T on the coding strand, the complement: TTN is on the minus strand). VCF-style: chr2-178739717-C-A. GRCh37 (hg19) VCF-style: chr2-179604444-C-A.
Other names: c.12565G>T, p.Glu4189Ter (NM_001256850.1); c.12427G>T, p.Glu4143Ter (NM_003319.4); c.12802G>T, p.Glu4268Ter (NM_133432.3); c.13003G>T, p.Glu4335Ter (NM_133437.4); c.10361-1357G>T (NM_133378.4); short protein forms E4335*, E4189*, E4143*, E4268*, E4506*.
Identifiers: ClinVar variation 4193766 (VCV004193766.1).